The following is an entry in ClinVar:

NM_005458.8(GABBR2):c.35C>T (p.Pro12Leu)

Gene: GABBR2 (gamma-aminobutyric acid type B receptor subunit 2; minus strand). Cytogenetic location: 9q22.33.
Variant type: single nucleotide variant.
Coding change: c.35C>T on transcript NM_005458.8 (MANE Select); coding-DNA position 35, C replaced by T.
Protein change: p.Pro12Leu; replaces proline 12 with leucine.
Molecular consequence: missense variant.
Genome position (GRCh38, 1-based): chr9:98,708,703, G>A on the plus strand (C>T on the coding strand, the complement: GABBR2 is on the minus strand). VCF-style: chr9-98708703-G-A. GRCh37 (hg19) VCF-style: chr9-101470985-G-A.
Other names: short protein forms P12L.
Identifiers: ClinVar variation 1034969 (VCV001034969.8), dbSNP rs1830937754, ClinGen allele CA374212962.
Genomic context (GRCh38, chr9:98,708,703, plus strand): 5'-AGCAGCGGCAGCAGCAGTAGCAGTAGCAGGCGCGCGGGCGGCGGTGGCGGCGGCGGCGGC[G>A]GCCCGGGCTGCCCGGAGCTCCGCGGGGAAGCCATGCCGCGCCGCGGGCTGCGGGCGCCGG-3'
Protein context (NP_005449.5, residues 2-22): ASPRSSGQPG[Pro12Leu]PPPPPPPPAR

ClinVar aggregate classification (germline): Uncertain significance (1 of 4 stars; one submission).

Conditions:
Epileptic encephalopathy. Identifiers: MedGen C0543888, HP:0200134.

Allele frequency attached by ClinVar (database versions not stated): gnomAD exomes below 0.00001; gnomAD 0.00001.
gnomAD v4.1: 3 of 1,008,630 alleles (0.0003%); highest among the groups gnomAD compares: Non-Finnish European, 0.00035%; no homozygotes.

Submission:

Labcorp Genetics (formerly Invitae), Labcorp
Classification: Uncertain significance for Epileptic encephalopathy. Last evaluated: 2022-04-01. Review status: criteria provided, single submitter. Criteria: Invitae Variant Classification Sherloc (09022015). Collection method: clinical testing. Allele origin: germline.
Comment: In summary, the available evidence is currently insufficient to determine the role of this variant in disease. Therefore, it has been classified as a Variant of Uncertain Significance. Algorithms developed to predict the effect of missense changes on protein structure and function output the following: SIFT: "Deleterious"; PolyPhen-2: "Not Available"; Align-GVGD: "Class C0". The leucine amino acid residue is found in multiple mammalian species, which suggests that this missense change does not adversely affect protein function. ClinVar contains an entry for this variant (Variation ID: 1034969). This variant has not been reported in the literature in individuals affected with GABBR2-related conditions. The frequency data for this variant in the population databases is considered unreliable, as metrics indicate insufficient coverage at this position in the gnomAD database. This sequence change replaces proline, which is neutral and non-polar, with leucine, which is neutral and non-polar, at codon 12 of the GABBR2 protein (p.Pro12Leu).